The following is an entry in ClinVar:

NM_000548.5(TSC2):c.5149C>G (p.Leu1717Val)

Gene: TSC2 (TSC complex subunit 2; plus strand). Cytogenetic location: 16p13.3.
Variant type: single nucleotide variant.
Coding change: c.5149C>G on transcript NM_000548.5 (MANE Select); coding-DNA position 5149, C replaced by G.
Protein change: p.Leu1717Val; replaces leucine 1717 with valine.
Molecular consequence: missense variant.
Genome position (GRCh38, 1-based): chr16:2,088,128, C>G. VCF-style: chr16-2088128-C-G. GRCh37 (hg19) VCF-style: chr16-2138129-C-G.
Other names: c.4948C>G, p.Leu1650Val (NM_001077183.3); c.5080C>G, p.Leu1694Val (NM_001114382.3); c.4840C>G, p.Leu1614Val (NM_001318827.2); c.4804C>G, p.Leu1602Val (NM_001318829.2); c.4417C>G, p.Leu1473Val (NM_001318831.2); c.4981C>G, p.Leu1661Val (NM_001318832.2); c.4951C>G, p.Leu1651Val (NM_001363528.2); c.5017C>G, p.Leu1673Val (NM_001370404.1); and 1 more; short protein forms L1650V, L1651V, L1674V, L1717V, L1614V, L1673V, L1602V, L1661V.
Identifiers: ClinVar variation 962626 (VCV000962626.13), dbSNP rs1555440199, ClinGen allele CA394312619.

ClinVar aggregate classification (germline): Uncertain significance. Review status: criteria provided, multiple submitters, no conflicts (2 of 4 stars). 3 submissions from 3 submitters: Uncertain significance (3). Last evaluated 2024-07-29.

Conditions:
Hereditary cancer-predisposing syndrome. Also called: Hereditary neoplastic syndrome; Tumor predisposition; Neoplastic Syndromes, Hereditary; Hereditary Cancer Syndrome. Identifiers: Orphanet 140162, MedGen C0027672, MeSH D009386, MONDO:0015356.
Tuberous sclerosis 2 (TSC2). Identifiers: Orphanet 805, MedGen C1860707, MONDO:0013199, OMIM 613254.

Submissions (3):

Labcorp Genetics (formerly Invitae), Labcorp
Classification: Uncertain significance for Tuberous sclerosis 2. Last evaluated: 2024-07-29. Review status: criteria provided, single submitter. Criteria: Invitae Variant Classification Sherloc (09022015). Collection method: clinical testing. Allele origin: germline.
Comment: This sequence change replaces leucine, which is neutral and non-polar, with valine, which is neutral and non-polar, at codon 1717 of the TSC2 protein (p.Leu1717Val). This variant is not present in population databases (gnomAD no frequency). This variant has not been reported in the literature in individuals affected with TSC2-related conditions. ClinVar contains an entry for this variant (Variation ID: 962626). Advanced modeling of protein sequence and biophysical properties (such as structural, functional, and spatial information, amino acid conservation, physicochemical variation, residue mobility, and thermodynamic stability) performed at Invitae indicates that this missense variant is not expected to disrupt TSC2 protein function with a negative predictive value of 95%. In summary, the available evidence is currently insufficient to determine the role of this variant in disease. Therefore, it has been classified as a Variant of Uncertain Significance.

GeneDx
Classification: Uncertain significance. Last evaluated: 2023-12-28. Review status: criteria provided, single submitter. Criteria: GeneDx Variant Classification Process June 2021. Collection method: clinical testing. Allele origin: germline. Affected: yes.
Comment: Not observed at significant frequency in large population cohorts (gnomAD); In silico analysis supports that this missense variant does not alter protein structure/function; Has not been previously published as pathogenic or benign to our knowledge; This variant is associated with the following publications: (PMID: 18466115)

Ambry Genetics
Classification: Uncertain significance for Hereditary cancer-predisposing syndrome. Last evaluated: 2023-08-25. Review status: criteria provided, single submitter. Criteria: Ambry Variant Classification Scheme 2023. Collection method: clinical testing. Allele origin: germline.
Comment: The p.L1717V variant (also known as c.5149C>G), located in coding exon 39 of the TSC2 gene, results from a C to G substitution at nucleotide position 5149. The leucine at codon 1717 is replaced by valine, an amino acid with highly similar properties. This amino acid position is highly conserved in available vertebrate species. In addition, this alteration is predicted to be deleterious by in silico analysis. Since supporting evidence is limited at this time, the clinical significance of this alteration remains unclear.